The following is an entry in ClinVar:

ClinVar aggregate classification (germline): Uncertain significance. Review status: criteria provided, multiple submitters, no conflicts (2 of 4 stars). 5 submissions from 5 submitters: Uncertain significance (5). Last evaluated 2025-03-12.

Conditions:
Hereditary nonpolyposis colorectal neoplasms. Identifiers: MedGen C0009405, MeSH D003123.
Hereditary cancer-predisposing syndrome. Also called: Hereditary Cancer Syndrome; Tumor predisposition; Neoplastic Syndromes, Hereditary; Hereditary neoplastic syndrome. Identifiers: Orphanet 140162, MedGen C0027672, MeSH D009386, MONDO:0015356.
Endometrial carcinoma. Also called: Endometrial carcinoma, somatic. Identifiers: MedGen C0476089, MONDO:0002447, OMIM 608089, HP:0012114.

gnomAD v4.1: 2 of 1,614,128 alleles (0.00012%); highest among the groups gnomAD compares: Non-Finnish European, 0.00017%; no homozygotes.

Submissions (5):

Labcorp Genetics (formerly Invitae), Labcorp
Classification: Uncertain significance for Hereditary nonpolyposis colorectal neoplasms. Last evaluated: 2025-03-12. Review status: criteria provided, single submitter. Criteria: Invitae Variant Classification Sherloc (09022015). Collection method: clinical testing. Allele origin: germline.
Comment: This sequence change replaces proline, which is neutral and non-polar, with arginine, which is basic and polar, at codon 408 of the MSH6 protein (p.Pro408Arg). This variant is not present in population databases (gnomAD no frequency). This missense change has been observed in individual(s) with ovarian cancer (PMID: 34326862). ClinVar contains an entry for this variant (Variation ID: 197115). Invitae Evidence Modeling of protein sequence and biophysical properties (such as structural, functional, and spatial information, amino acid conservation, physicochemical variation, residue mobility, and thermodynamic stability) indicates that this missense variant is expected to disrupt MSH6 protein function with a positive predictive value of 80%. In summary, the available evidence is currently insufficient to determine the role of this variant in disease. Therefore, it has been classified as a Variant of Uncertain Significance.

Ambry Genetics
Classification: Uncertain significance for Hereditary cancer-predisposing syndrome. Last evaluated: 2023-12-26. Review status: criteria provided, single submitter. Criteria: Ambry Variant Classification Scheme 2023. Collection method: clinical testing. Allele origin: germline.
Comment: The p.P408R variant (also known as c.1223C>G), located in coding exon 4 of the MSH6 gene, results from a C to G substitution at nucleotide position 1223. The proline at codon 408 is replaced by arginine, an amino acid with dissimilar properties. This variant was identified in an ovarian cancer patient from a Canadian cohort of 2870 patients undergoing multi-gene panel testing for suspected hereditary cancer and was classified as a variant of unknown significance (Bhai P et al. Front Genet, 2021 Jul;12:698595). This amino acid position is highly conserved in available vertebrate species. In addition, this alteration is predicted to be deleterious by in silico analysis. Since supporting evidence is limited at this time, the clinical significance of this alteration remains unclear.

Baylor Genetics
Classification: Uncertain significance for Endometrial carcinoma. Last evaluated: 2023-10-10. Review status: criteria provided, single submitter. Criteria: ACMG Guidelines, 2015. Collection method: clinical testing. Allele origin: unknown.

GeneDx
Classification: Uncertain significance. Last evaluated: 2019-09-16. Review status: criteria provided, single submitter. Criteria: GeneDx Variant Classification Process June 2021. Collection method: clinical testing. Allele origin: germline. Affected: yes.
Comment: Not observed in large population cohorts (Lek et al., 2016); In silico analysis, which includes protein predictors and evolutionary conservation, supports a deleterious effect; Has not been previously published as pathogenic or benign to our knowledge

Eurofins Ntd Llc (ga)
Classification: Uncertain significance. Last evaluated: 2014-12-03. Review status: criteria provided, single submitter. Criteria: EGL Classification Definitions 2015. Collection method: clinical testing. Allele origin: germline. Observed: 1 variant allele, 1 heterozygote.

Literature cited by the submitters: PubMed 34326862 (cited by Labcorp Genetics (formerly Invitae), Labcorp and Ambry Genetics).

NM_000179.3(MSH6):c.1223C>G (p.Pro408Arg)

Gene: MSH6 (mutS homolog 6; plus strand). Cytogenetic location: 2p16.3.
Variant type: single nucleotide variant.
Coding change: c.1223C>G on transcript NM_000179.3 (MANE Select); coding-DNA position 1223, C replaced by G.
Protein change: p.Pro408Arg; replaces proline 408 with arginine.
Molecular consequence: missense variant.
Genome position (GRCh38, 1-based): chr2:47,799,206, C>G. VCF-style: chr2-47799206-C-G. GRCh37 (hg19) VCF-style: chr2-48026345-C-G.
Other names: c.833C>G, p.Pro278Arg (NM_001281492.2); c.317C>G, p.Pro106Arg (NM_001281493.2, NM_001281494.2); short protein forms P408R, P106R, P278R.
Identifiers: ClinVar variation 197115 (VCV000197115.19), dbSNP rs767404845, ClinGen allele CA008328.